The following is an entry in ClinVar:

NM_000540.3(RYR1):c.14549A>C (p.Tyr4850Ser)

Gene: RYR1 (ryanodine receptor 1; plus strand). Cytogenetic location: 19q13.2.
Variant type: single nucleotide variant.
Coding change: c.14549A>C on transcript NM_000540.3 (MANE Select); coding-DNA position 14549, A replaced by C.
Protein change: p.Tyr4850Ser; replaces tyrosine 4850 with serine.
Molecular consequence: missense variant.
Genome position (GRCh38, 1-based): chr19:38,580,407, A>C. VCF-style: chr19-38580407-A-C. GRCh37 (hg19) VCF-style: chr19-39071047-A-C.
Other names: c.14534A>C, p.Tyr4845Ser (NM_001042723.2); short protein forms Y4845S, Y4850S.
Identifiers: ClinVar variation 4526964 (VCV004526964.1).

ClinVar aggregate classification (germline): Pathogenic (1 of 4 stars; one submission).

Submission:

GeneDx
Classification: Pathogenic. Last evaluated: 2025-04-29. Review status: criteria provided, single submitter. Criteria: GeneDx Variant Classification Process June 2021. Collection method: clinical testing. Allele origin: germline. Affected: yes.
Comment: Not observed at significant frequency in large population cohorts (gnomAD); In silico analysis supports that this missense variant has a deleterious effect on protein structure/function; Has not been previously published as pathogenic or benign to our knowledge; This variant is associated with the following publications: (PMID: 20681998, 33767344)